The following continues an entry in ClinVar:

NM_000478.6(ALPL):c.1363G>A (p.Gly455Ser)

Gene: ALPL. ClinVar aggregate classification (germline): Pathogenic/Likely pathogenic. Pathogenic (6); Likely pathogenic (5).

Submissions 11 to 13 of 13:

Illumina Laboratory Services, Illumina
Classification: Pathogenic for Hypophosphatasia. Last evaluated: 2017-09-07. Review status: criteria provided, single submitter. Criteria: ICSL Variant Classification Criteria 09 May 2019. Collection method: clinical testing. Allele origin: germline.
Comment: Across a selection of the available literature, the ALPL c.1363G>A (p.Gly455Ser) missense variant has been reported in a compound heterozygous state in at least five individuals diagnosed with hypophosphatasia, including four with a mild form of the disease, and one with a perinatal lethal form (Draguet et al. 2004; Brun-Heath et al. 2007; Fauvert et al. 2009; Olech et al. 2016). The p.Gly455Ser variant was also identified in a heterozygous state in two reportedly unaffected fathers. The father of a severely affected patient had a serum alkaline phosphatase activity within normal limits. Control data are unavailable for this variant, which is reported at a frequency of 0.000102 in the European (non-Finnish) population of the Genome Aggregation Database. Transient expression studies in COS-7 cells revealed that compared to the wildtype protein, the p.Gly455Ser variant protein exhibited reduced expression at the cell membrane and was retained in the cytoplasm and Golgi, suggesting that the variant protein is unable to dimerize and undergo glycosylation (Brun-Heath et al. 2007). Site-directed mutagenesis studies showed that the variant, which is located in the vicinity of the active site, exhibited 71% of wildtype alkaline phosphatase activity (Brun-Heath et al. 2007). This is consistent with the finding that alkaline phosphatase activity in serum from the healthy individual who was heterozygous for the variant, was at the low end of the reference range (Olech et al. 2016). Based on the collective evidence, the p.Gly455Ser variant is classified as pathogenic for hypophosphatasia. This variant was observed by ICSL as part of a predisposition screen in an ostensibly healthy population.

Counsyl
Classification: Likely pathogenic for Infantile hypophosphatasia. Last evaluated: 2016-09-14. Review status: no assertion criteria provided. Collection method: clinical testing. Allele origin: unknown. Not counted in ClinVar's aggregate classification.

Department of Pathology and Laboratory Medicine, Sinai Health System
Classification: Likely pathogenic. Review status: no assertion criteria provided. Collection method: clinical testing. Allele origin: unknown. Affected: yes. Study: The Canadian Open Genetics Repository (COGR). Not counted in ClinVar's aggregate classification.
Comment: The ALPL p.Gly455Ser variant has been identified in multiple publications in association with hypophosphatasia (HPP). A case study of a stillborn patient with severe skeletal symptoms consistent with perinantal lethal HPP with compound heterozgyous mutations in the ALPL gene including the G455S variant inherited paternally and a R428P variant interited maternally; ALP enzymatic activity in serum of the father with the G455S variant was 50U/l (reference range: 40-150 U/l), suggesting normal enzyme activity however on the lower end (Olech_2016_PMID: 27179278). Another case study of a patient with progressive renal failure leading to bone pain and multiple fractures revealed that he was compound heterozygous for the G455S variant as well as a T117H ALPL variant. Functional studies of the G455S variant demonstrated normal enzymatic activity compared to wildtype which was then impaired when extracellular phosphate concentrations were increased; this change in phosphate concentration did not affect wildtype activity suggesting a genetic and environmental component to the phenotype (Cundy_2015_PMID: 25736332). A functional study by Brun-Health et al. (2007) showed abnormal cellular localization of the G455S ALPL mutant construct compared to wildtype (Brun-Heath_2007_PMID: 17719863). This variant was identified in 1/105 patients with HPP in the compound heterozygous state; the patient with this variant was determined to have mild childhood HPP (Whyte_2015_PMID: 25731960). The p.G455S variant was identified in dbSNP (ID: rs149889416) and in Clinvar (classified as likely pathogenic by Counsyl for infantile hypophosphatasia). The variant was not identified in Cosmic or LOVD 3.0. The variant was identified in control databases in 11 of 245118 chromosomes at a frequency of 0.000045 (Genome Aggregation Database Feb 27, 2017). The variant was observed in the following population: European (non-Finnish) in 11 of 109950 chromosomes (freq: 0.0001); it was not observed in the African, Latino, Ashkenazi Jewish, East Asian, European (Finnish), Other and South Asian populations. The variant occurs outside of the splicing consensus sequence and in silico or computational prediction software programs (SpliceSiteFinder, MaxEntScan, NNSPLICE, and GeneSplicer) do not predict a difference in splicing. The p.Gly455 residue is conserved in mammals but not more distantly related organisms and computational analyses (PolyPhen-2, SIFT, AlignGVGD, BLOSUM, and MutationTaster) provide inconsistent predictions regarding the impact to the protein; this information is not very predictive of pathogenicity. In summary, based on the above information the clinical significance of this variant cannot be determined with certainty at this time although we would lean towards a more pathogenic role for this variant. This variant is classified as likely pathogenic.

Literature cited by the submitters: PubMed 15135428 (cited by 4 submitters); PubMed 17719863 (cited by 5 submitters); PubMed 25731960 (cited by 5 submitters); PubMed 25736332 (cited by 4 submitters); PubMed 27179278 (cited by 5 submitters); PubMed 39224569 (cited by Genomenon, Inc); PubMed 29774402 (cited by Genomenon, Inc); PubMed 19500388 (cited by Genomenon, Inc and Illumina Laboratory Services, Illumina); PubMed 32973344 (cited by Natera, Inc.); PubMed 27699270 (cited by Natera, Inc.); PubMed 25186178 (cited by Natera, Inc.); PubMed 32987199 (cited by Women's Health and Genetics/Laboratory Corporation of America, LabCorp).